The following is an entry in ClinVar:

ClinVar aggregate classification (germline): Uncertain significance (1 of 4 stars; one submission).

gnomAD v4.1: 2 of 1,613,942 alleles (0.00012%); highest among the groups gnomAD compares: Non-Finnish European, 0.00017%; no homozygotes.

Submission:

GeneDx
Classification: Uncertain significance. Last evaluated: 2025-03-26. Review status: criteria provided, single submitter. Criteria: GeneDx Variant Classification Process June 2021. Collection method: clinical testing. Allele origin: germline. Affected: yes.
Comment: Not observed at significant frequency in large population cohorts (gnomAD); In silico analysis supports that this missense variant has a deleterious effect on protein structure/function; Has not been previously published as pathogenic or benign to our knowledge

NM_001127178.3(PIGG):c.2074G>C (p.Asp692His)

Gene: PIGG (phosphatidylinositol glycan anchor biosynthesis class G (EMM blood group); plus strand). Cytogenetic location: 4p16.3.
Variant type: single nucleotide variant.
Coding change: c.2074G>C on transcript NM_001127178.3 (MANE Select); coding-DNA position 2074, G replaced by C.
Protein change: p.Asp692His; replaces aspartic acid 692 with histidine.
Molecular consequence: missense variant. On other transcripts: non-coding transcript variant (10).
Genome position (GRCh38, 1-based): chr4:527,043, G>C. VCF-style: chr4-527043-G-C. GRCh37 (hg19) VCF-style: chr4-520832-G-C.
Other names: c.1807G>C, p.Asp603His (NM_001345986.2, NM_001289051.2); c.1783G>C, p.Asp595His (NM_001345987.2); c.1045G>C, p.Asp349His (NM_001345988.2); c.541G>C, p.Asp181His (NM_001345990.2, NM_001345991.2); c.976G>C, p.Asp326His (NM_001345994.2); c.2050G>C, p.Asp684His (NM_017733.5); c.1675G>C, p.Asp559His (NM_001289052.2); short protein forms D349H, D684H, D692H, D326H, D559H, D595H, D603H, D181H.
Identifiers: ClinVar variation 4087899 (VCV004087899.1).
Genomic context (GRCh38, chr4:527,043, plus strand): 5'-GATTGATCTTGTCGCTGTTTGTTTACGTAATGCTGGCATTTTCCATCTCATTTCAGCTCT[G>C]ACCACAAAGCCGAGCTCTCTGTCCTGGCTGCCCTCTCCCTCCTCGTAGTTTTTGTGCTGG-3'
Protein context (NP_001120650.1, residues 682-702): PDLGHWLTSS[Asp692His]HKAELSVLAA